The following is an entry in ClinVar:

ClinVar aggregate classification (germline): Uncertain significance. Review status: criteria provided, multiple submitters, no conflicts (2 of 4 stars). 5 submissions from 3 submitters: Uncertain significance (5). Last evaluated 2023-04-11.

Conditions:
Retinitis pigmentosa 12 (RP12). Also called: RP WITH OR WITHOUT PPRPE; RP WITH OR WITHOUT PRESERVED PARAARTERIOLE RETINAL PIGMENT EPITHELIUM; RETINITIS PIGMENTOSA WITH OR WITHOUT PARAARTERIOLAR PRESERVATION OF RETINAL PIGMENT EPITHELIUM. Identifiers: Orphanet 791, MedGen C1838647, MONDO:0010818, OMIM 600105.
Leber congenital amaurosis 8 (LCA8). Identifiers: Orphanet 65, MedGen C3151202, MONDO:0013453, OMIM 613835.
Inborn genetic diseases. Identifiers: MedGen C0950123, MeSH D030342.
Pigmented paravenous retinochoroidal atrophy. Identifiers: Orphanet 251295, MedGen C1868310, MONDO:0008246, OMIM 172870.

Allele frequency attached by ClinVar (database versions not stated): gnomAD 0.00001; ExAC 0.00002; gnomAD exomes 0.00002; TOPMed 0.00002.

Submissions (5):

Genome-Nilou Lab
Classification: Uncertain significance for Leber congenital amaurosis 8. Last evaluated: 2023-04-11. Review status: criteria provided, single submitter. Criteria: ACMG Guidelines, 2015. Collection method: clinical testing. Allele origin: germline. Affected: no.

Genome-Nilou Lab
Classification: Uncertain significance for Pigmented paravenous retinochoroidal atrophy. Last evaluated: 2023-04-11. Review status: criteria provided, single submitter. Criteria: ACMG Guidelines, 2015. Collection method: clinical testing. Allele origin: germline. Affected: no.

Genome-Nilou Lab
Classification: Uncertain significance for Retinitis pigmentosa 12. Last evaluated: 2023-04-11. Review status: criteria provided, single submitter. Criteria: ACMG Guidelines, 2015. Collection method: clinical testing. Allele origin: germline. Affected: no.

Ambry Genetics
Classification: Uncertain significance for Inborn genetic diseases. Last evaluated: 2023-03-28. Review status: criteria provided, single submitter. Criteria: Ambry Variant Classification Scheme 2023. Collection method: clinical testing. Allele origin: germline.

Labcorp Genetics (formerly Invitae), Labcorp
Classification: Uncertain significance for Leber congenital amaurosis 8; Retinitis pigmentosa 12. Last evaluated: 2021-12-21. Review status: criteria provided, single submitter. Criteria: Invitae Variant Classification Sherloc (09022015). Collection method: clinical testing. Allele origin: germline.
Comment: This sequence change replaces arginine, which is basic and polar, with glutamine, which is neutral and polar, at codon 1286 of the CRB1 protein (p.Arg1286Gln). This variant is present in population databases (rs755035239, gnomAD 0.02%). This variant has not been reported in the literature in individuals affected with CRB1-related conditions. Advanced modeling of protein sequence and biophysical properties (such as structural, functional, and spatial information, amino acid conservation, physicochemical variation, residue mobility, and thermodynamic stability) performed at Invitae indicates that this missense variant is not expected to disrupt CRB1 protein function. Algorithms developed to predict the effect of sequence changes on RNA splicing suggest that this variant may create or strengthen a splice site. In summary, the available evidence is currently insufficient to determine the role of this variant in disease. Therefore, it has been classified as a Variant of Uncertain Significance.

NM_201253.3(CRB1):c.3857G>A (p.Arg1286Gln)

Gene: CRB1 (crumbs cell polarity complex component 1; plus strand). Cytogenetic location: 1q31.3.
Variant type: single nucleotide variant.
Coding change: c.3857G>A on transcript NM_201253.3 (MANE Select); coding-DNA position 3857, G replaced by A.
Protein change: p.Arg1286Gln; replaces arginine 1286 with glutamine.
Molecular consequence: missense variant. On other transcripts: non-coding transcript variant (2).
Genome position (GRCh38, 1-based): chr1:197,438,654, G>A. VCF-style: chr1-197438654-G-A. GRCh37 (hg19) VCF-style: chr1-197407784-G-A.
Other names: c.3521G>A, p.Arg1174Gln (NM_001193640.2); c.3785G>A, p.Arg1262Gln (NM_001257965.2); c.2249G>A, p.Arg750Gln (NM_001257966.2); c.3857G>A (NM_201253.2); short protein forms R1286Q, R750Q, R1174Q, R1262Q.
Identifiers: ClinVar variation 2070468 (VCV002070468.4), dbSNP rs755035239, ClinGen allele CA1312414.